The following is an entry in ClinVar:

ClinVar aggregate classification (germline): Uncertain significance (1 of 4 stars; one submission).

Conditions:
Developmental delay, impaired speech, and behavioral abnormalities. Identifiers: MedGen C5561957, MONDO:0859178, OMIM 619475.

Submission:

MGZ Medical Genetics Center
Classification: Uncertain significance for Developmental delay, impaired speech, and behavioral abnormalities. Last evaluated: 2022-04-25. Review status: criteria provided, single submitter. Criteria: ACMG Guidelines, 2015. Collection method: clinical testing. Allele origin: germline. Affected: yes. Observed: 1 variant allele.
Comment: ACMG criteria applied: PM2_SUP, PP2, PP3

NM_003128.3(SPTBN1):c.6194C>G (p.Ser2065Cys)

Gene: SPTBN1 (spectrin beta, non-erythrocytic 1; plus strand). Cytogenetic location: 2p16.2.
Variant type: single nucleotide variant.
Coding change: c.6194C>G on transcript NM_003128.3 (MANE Select); coding-DNA position 6194, C replaced by G.
Protein change: p.Ser2065Cys; replaces serine 2065 with cysteine.
Molecular consequence: missense variant.
Genome position (GRCh38, 1-based): chr2:54,657,997, C>G. VCF-style: chr2-54657997-C-G. GRCh37 (hg19) VCF-style: chr2-54885134-C-G.
Other names: c.6155C>G, p.Ser2052Cys (NM_178313.3); short protein forms S2052C, S2065C.
Identifiers: ClinVar variation 1709340 (VCV001709340.2), dbSNP rs2549573527, ClinGen allele CA346856059.